The following is an entry in ClinVar:

NM_031433.4(MFRP):c.665C>T (p.Pro222Leu)

Genes: C1QTNF5 (C1q and TNF related 5; minus strand), MFRP (membrane frizzled-related protein; minus strand). Cytogenetic location: 11q23.3.
Variant type: single nucleotide variant.
Coding change: c.665C>T on transcript NM_031433.4 (MANE Select); coding-DNA position 665, C replaced by T.
Protein change: p.Pro222Leu; replaces proline 222 with leucine.
Molecular consequence: missense variant. On other transcripts: 5 prime UTR variant (1).
Genome position (GRCh38, 1-based): chr11:119,344,981, G>A on the plus strand (C>T on the coding strand, the complement: MFRP is on the minus strand). VCF-style: chr11-119344981-G-A. GRCh37 (hg19) VCF-style: chr11-119215691-G-A.
Other names: c.-1972C>T (NM_015645.5); short protein forms P222L.
Identifiers: ClinVar variation 1984947 (VCV001984947.3), dbSNP rs1950545280, ClinGen allele CA382977722.

ClinVar aggregate classification (germline): Uncertain significance (1 of 4 stars; one submission).

Conditions:
Isolated microphthalmia 5. Also called: Posterior Microphthalmia with Retinitis Pigmentosa, Foveoschisis, and Optic Disc Drusen. Identifiers: Orphanet 251279, MedGen C1970236, MONDO:0012605, OMIM 611040.

gnomAD v4.1: 6 of 1,607,184 alleles (0.00037%); highest among the groups gnomAD compares: Middle Eastern, 0.017%; no homozygotes.

Submission:

Labcorp Genetics (formerly Invitae), Labcorp
Classification: Uncertain significance for Isolated microphthalmia 5. Last evaluated: 2022-09-01. Review status: criteria provided, single submitter. Criteria: Invitae Variant Classification Sherloc (09022015). Collection method: clinical testing. Allele origin: germline.
Comment: In summary, the available evidence is currently insufficient to determine the role of this variant in disease. Therefore, it has been classified as a Variant of Uncertain Significance. Algorithms developed to predict the effect of missense changes on protein structure and function are either unavailable or do not agree on the potential impact of this missense change (SIFT: "Deleterious"; PolyPhen-2: "Possibly Damaging"; Align-GVGD: "Class C15"). This variant has not been reported in the literature in individuals affected with MFRP-related conditions. This variant is not present in population databases (gnomAD no frequency). This sequence change replaces proline, which is neutral and non-polar, with leucine, which is neutral and non-polar, at codon 222 of the MFRP protein (p.Pro222Leu).